The following is an entry in ClinVar:

ClinVar aggregate classification (germline): Conflicting classifications of pathogenicity. Review status: criteria provided, conflicting classifications (1 of 4 stars). 8 submissions from 7 submitters: Pathogenic (2); Likely pathogenic (3); Uncertain risk allele (1). 2 of the submissions do not count toward it. Last evaluated 2024-11-05.

Conditions:
Hyperinsulinemic hypoglycemia, familial, 2. Also called: HYPERINSULINEMIC HYPOGLYCEMIA, PERSISTENT; HYPERINSULINISM, NEONATAL. Identifiers: Orphanet 276580, Orphanet 276603, MedGen C2931833, MONDO:0011153, OMIM 601820. Disease mechanism: loss of function.
Maturity-onset diabetes of the young type 13. Also called: MODY, TYPE 13. Identifiers: Orphanet 552, MedGen C4225365, MONDO:0014589, OMIM 616329.
Diabetes mellitus, transient neonatal, 3 (TNDM3). Identifiers: Orphanet 99886, MedGen C1864623, MONDO:0012522, OMIM 610582. Disease mechanism: loss of function.
Type 2 diabetes mellitus. Also called: Type II diabetes mellitus. Identifiers: MedGen C0011860, MeSH D003924, MONDO:0005148, OMIM 125853, HP:0005978.
Diabetes mellitus, permanent neonatal 2. Also called: KCNJ11-Related Permanent Neonatal Diabetes Mellitus. Identifiers: MedGen C5394296, MONDO:0030087, OMIM 618856.
Maturity-onset diabetes of the young (MODY). Also called: Maturity onset diabetes mellitus in young. Identifiers: Orphanet 552, MedGen C0342276, MONDO:0018911, HP:0004904.
Permanent neonatal diabetes mellitus (PNDM). Identifiers: Orphanet 99885, MedGen C1833104, MONDO:0100164, MONDO:0011643. Disease mechanism: gain of function.
Hyperinsulinemia. Also called: Hyperinsulinism. Identifiers: MedGen C0020459, MONDO:0002177, HP:0000842.

Allele frequency attached by ClinVar (database versions not stated): gnomAD 0.00001; gnomAD exomes 0.00001 and 0.00002; ExAC 0.00002; TOPMed 0.00002.

Submissions (8):

Natera, Inc.
Classification: Likely pathogenic for Permanent neonatal diabetes mellitus. Last evaluated: 2024-11-05. Review status: criteria provided, single submitter. Criteria: Natera Variant Classification Schema (03/2026). Collection method: clinical testing. Allele origin: germline.
Comment: The c.881C>T variant in KCNJ11 is a missense variant predicted to cause substitution of threonine to methionine at amino acid 294. This variant is rare in the general population with a frequency below the threshold expected for the associated phenotype(s). This variant has been observed in one or more individuals affected with the associated recessive disease, as either homozygous or compound heterozygous with a second variant (PMID: 20049716, 20589481). This variant has been observed in affected individual(s) with monoallelic occurrence (heterozygous/hemizygous) (PMID: 20049716, 25639667, 25201519, 23345197, 20685672). Functional studies show that this variant may disrupt protein function (PMID: 20049716). Computational prediction algorithms indicate this variant is likely to affect gene or protein function. Given the available evidence, this variant is classified as Likely Pathogenic.

Labcorp Genetics (formerly Invitae), Labcorp
Classification: Pathogenic. Last evaluated: 2024-01-11. Review status: criteria provided, single submitter. Criteria: Invitae Variant Classification Sherloc (09022015). Collection method: clinical testing. Allele origin: germline.
Comment: This sequence change replaces threonine, which is neutral and polar, with methionine, which is neutral and non-polar, at codon 294 of the KCNJ11 protein (p.Thr294Met). This variant is present in population databases (rs780957825, gnomAD 0.01%). This missense change has been observed in individuals with autosomal recessive diffuse or paternally inherited focal hyperinsulinism (PMID: 20049716, 20589481, 20685672, 24434300). ClinVar contains an entry for this variant (Variation ID: 211230). Advanced modeling of protein sequence and biophysical properties (such as structural, functional, and spatial information, amino acid conservation, physicochemical variation, residue mobility, and thermodynamic stability) performed at Invitae indicates that this missense variant is expected to disrupt KCNJ11 protein function with a positive predictive value of 95%. Experimental studies have shown that this missense change affects KCNJ11 function (PMID: 20049716). For these reasons, this variant has been classified as Pathogenic.

Baylor Genetics
Classification: Likely pathogenic for Type 2 diabetes mellitus. Last evaluated: 2023-05-23. Review status: criteria provided, single submitter. Criteria: ACMG Guidelines, 2015. Collection method: clinical testing. Allele origin: unknown.

Fulgent Genetics
Classification: Likely pathogenic for Type 2 diabetes mellitus; Hyperinsulinemic hypoglycemia, familial, 2; Diabetes mellitus, transient neonatal, 3; Maturity-onset diabetes of the young type 13; Diabetes mellitus, permanent neonatal 2. Last evaluated: 2021-06-30. Review status: criteria provided, single submitter. Criteria: ACMG Guidelines, 2015. Collection method: clinical testing. Allele origin: unknown.
Comment: This variant has been detected in individual(s) who were sent for testing of Renasight - kidney gene panel.

Genetic Services Laboratory, University of Chicago
Classification: Pathogenic for Hyperinsulinemic hypoglycemia, familial, 2. Last evaluated: 2015-05-18. Review status: criteria provided, single submitter. Criteria: ACMG Guidelines, 2015. Collection method: clinical testing. Allele origin: germline. Affected: yes.

Clinical Genomics, Uppaluri K&H Personalized Medicine Clinic
Classification: Uncertain risk allele for Hyperinsulinemia. Review status: criteria provided, single submitter. Criteria: K & H Uppaluri Personalized Medicine Clinic Variant Classification & Assertion Criteria_Updated V.1. Collection method: research. Allele origin: somatic. Inheritance: Autosomal dominant inheritance. Affected: yes.
Comment: Mutations in KCNJ11 gene can cause decreased production and secretion of insulin. This can lead to MODY which may be responsive to oral sulfonylureas. This particular variant (rs780957825) is associated with Familial hyperinsulinemic hypoglycemia and response to diazoxide therapy.

Counsyl
Classification: Likely pathogenic for Diabetes mellitus, transient neonatal, 3. Last evaluated: 2017-08-18. Review status: no assertion criteria provided. Collection method: clinical testing. Allele origin: unknown. Not counted in ClinVar's aggregate classification.

Clinical Genomics, Uppaluri K&H Personalized Medicine Clinic
Classification: Uncertain significance for Maturity-onset diabetes of the young. Review status: flagged submission. Criteria: K & H Uppaluri Personalized Medicine Clinic Variant Classification & Assertion Criteria_Updated V.1. Collection method: research. Allele origin: somatic. Inheritance: Autosomal dominant inheritance. Not counted in ClinVar's aggregate classification.
Comment: Mutations in KCNJ11 gene can cause decreased production and secretion of insulin. This can lead to MODY which may be responsive to oral sulfonylureas. This particular variant (rs780957825) is associated with Familial hyperinsulinemic hypoglycemia and response to diazoxide therapy. However, no sufficient evidence is found to ascertain the significance of rs780957825 in MODY yet.
ClinVar note: Reason: Outlier claim with insufficient supporting evidence

Literature cited by the submitters: PubMed 20049716 (cited by 3 submitters); PubMed 20589481 (cited by 4 submitters); PubMed 25639667 (cited by Natera, Inc. and Counsyl); PubMed 25201519 (cited by Natera, Inc.); PubMed 23345197 (cited by Natera, Inc.); PubMed 20685672 (cited by 3 submitters); PubMed 24434300 (cited by Labcorp Genetics (formerly Invitae), Labcorp and Counsyl).

NM_000525.4(KCNJ11):c.881C>T (p.Thr294Met)

Gene: KCNJ11 (potassium inwardly rectifying channel subfamily J member 11; minus strand). Cytogenetic location: 11p15.1.
Variant type: single nucleotide variant.
Coding change: c.881C>T on transcript NM_000525.4 (MANE Select); coding-DNA position 881, C replaced by T.
Protein change: p.Thr294Met; replaces threonine 294 with methionine.
Molecular consequence: missense variant.
Genome position (GRCh38, 1-based): chr11:17,387,211, G>A on the plus strand (C>T on the coding strand, the complement: KCNJ11 is on the minus strand). VCF-style: chr11-17387211-G-A. GRCh37 (hg19) VCF-style: chr11-17408758-G-A.
Other names: c.620C>T, p.Thr207Met (NM_001166290.2, NM_001377296.1, NM_001377297.1); short protein forms T294M, T207M.
Identifiers: ClinVar variation 211230 (VCV000211230.22), dbSNP rs780957825, ClinGen allele CA276941.